The following is an entry in ClinVar:

ClinVar aggregate classification (germline): Uncertain significance (0 of 4 stars; one submission).

Conditions:
CCDC88C-related disorder. Also called: CCDC88C-Related Disorders; CCDC88C-related condition.

Allele frequency attached by ClinVar (database versions not stated): ExAC 0.00002; gnomAD 0.00003; TOPMed 0.00005.
gnomAD v4.1: 45 of 1,610,628 alleles (0.0028%); highest among the groups gnomAD compares: Middle Eastern, 0.016%; no homozygotes.

Submission:

PreventionGenetics, part of Exact Sciences
Classification: Uncertain significance for CCDC88C-related condition. Last evaluated: 2023-10-19. Review status: no assertion criteria provided. Collection method: clinical testing. Allele origin: germline.
Comment: The CCDC88C c.2266C>T variant is predicted to result in the amino acid substitution p.Arg756Cys. To our knowledge, this variant has not been reported in the literature. This variant is reported in 0.0083% of alleles in individuals of African descent in gnomAD. At this time, the clinical significance of this variant is uncertain due to the absence of conclusive functional and genetic evidence.

NM_001080414.4(CCDC88C):c.2266C>T (p.Arg756Cys)

Gene: CCDC88C (coiled-coil domain containing 88C; minus strand). Cytogenetic location: 14q32.11.
Variant type: single nucleotide variant.
Coding change: c.2266C>T on transcript NM_001080414.4 (MANE Select); coding-DNA position 2266, C replaced by T.
Protein change: p.Arg756Cys; replaces arginine 756 with cysteine.
Molecular consequence: missense variant.
Genome position (GRCh38, 1-based): chr14:91,313,550, G>A on the plus strand (C>T on the coding strand, the complement: CCDC88C is on the minus strand). VCF-style: chr14-91313550-G-A. GRCh37 (hg19) VCF-style: chr14-91779894-G-A.
Other names: short protein forms R756C.
Identifiers: ClinVar variation 3037271 (VCV003037271.2), dbSNP rs774199298, ClinGen allele CA7309704.